The following is an entry in ClinVar:

ClinVar aggregate classification (germline): Uncertain significance (1 of 4 stars; one submission).

Allele frequency attached by ClinVar (database versions not stated): TOPMed 0.00001; gnomAD exomes 0.00002; ExAC 0.00003.
gnomAD v4.1: 12 of 1,614,188 alleles (0.00074%); highest among the groups gnomAD compares: Admixed American, 0.02%; no homozygotes.

Submission:

Labcorp Genetics (formerly Invitae), Labcorp
Classification: Uncertain significance. Last evaluated: 2022-07-18. Review status: criteria provided, single submitter. Criteria: Invitae Variant Classification Sherloc (09022015). Collection method: clinical testing. Allele origin: germline.
Comment: This sequence change replaces leucine, which is neutral and non-polar, with tryptophan, which is neutral and slightly polar, at codon 327 of the ARMC9 protein (p.Leu327Trp). This variant is present in population databases (rs774544817, gnomAD 0.04%). This variant has not been reported in the literature in individuals affected with ARMC9-related conditions. Experimental studies and prediction algorithms are not available or were not evaluated, and the functional significance of this variant is currently unknown. In summary, the available evidence is currently insufficient to determine the role of this variant in disease. Therefore, it has been classified as a Variant of Uncertain Significance.

NM_001352754.2(ARMC9):c.980T>G (p.Leu327Trp)

Gene: ARMC9 (armadillo repeat containing 9; plus strand). Cytogenetic location: 2q37.1.
Variant type: single nucleotide variant.
Coding change: c.980T>G on transcript NM_001352754.2 (MANE Select); coding-DNA position 980, T replaced by G.
Protein change: p.Leu327Trp; replaces leucine 327 with tryptophan.
Molecular consequence: missense variant. On other transcripts: non-coding transcript variant (1).
Genome position (GRCh38, 1-based): chr2:231,259,056, T>G. VCF-style: chr2-231259056-T-G. GRCh37 (hg19) VCF-style: chr2-232123769-T-G.
Other names: c.980T>G, p.Leu327Trp (NM_001271466.4, NM_001291656.2, NM_001352755.2 and 3 more transcripts); c.881T>G, p.Leu294Trp (NM_001352757.2, NM_001352758.2); short protein forms L294W, L327W.
Identifiers: ClinVar variation 1928018 (VCV001928018.2), dbSNP rs774544817, ClinGen allele CA2160138.
Genomic context (GRCh38, chr2:231,259,056, plus strand): 5'-TGAAGGATGTCCCATTACTGCCCTCCTTGGATTATGAGAAACTGAAGAAGGATTTGATTT[T>G]GGGGAGTGACCGCTTGAAAGCCTTCTTGTTGCAGGCTCTGCGCTGGGTAGGTACCTTTGT-3'
Protein context (NP_001339683.2, residues 317-337): DYEKLKKDLI[Leu327Trp]GSDRLKAFLL